The following is an entry in ClinVar:

NM_001034853.2(RPGR):c.457G>A (p.Ala153Thr)

Gene: RPGR (retinitis pigmentosa GTPase regulator; minus strand). Cytogenetic location: Xp11.4.
Variant type: single nucleotide variant.
Coding change: c.457G>A on transcript NM_001034853.2 (MANE Select); coding-DNA position 457, G replaced by A.
Protein change: p.Ala153Thr; replaces alanine 153 with threonine.
Molecular consequence: missense variant. On other transcripts: non-coding transcript variant (6).
Genome position (GRCh38, 1-based): chrX:38,318,841, C>T on the plus strand (G>A on the coding strand, the complement: RPGR is on the minus strand). VCF-style: chrX-38318841-C-T. GRCh37 (hg19) VCF-style: chrX-38178094-C-T.
Other names: c.457G>A, p.Ala153Thr (NM_000328.3, NM_001367245.1, NM_001367246.1 and 3 more transcripts); c.487G>A, p.Ala163Thr (NM_001367248.1); c.454G>A, p.Ala152Thr (NM_001367249.1); short protein forms A163T, A152T, A153T.
Identifiers: ClinVar variation 931431 (VCV000931431.3), dbSNP rs2067875526, ClinGen allele CA412745012.
Genomic context (GRCh38, chrX:38,318,841, plus strand): 5'-TCTACAGGAAAGGAATGTGTCCCAGACTGAAAAAGAAACAAGTCTCACCAGTTAGGGCAG[C>T]TGAAGTATTAGATCCAGCAGACAGCTGCTTAATCTTATGCTCGGATGTAAAAAAGCTAAT-3'
Protein context (NP_001030025.1, residues 143-163): KQLSAGSNTS[Ala153Thr]ALTEDGRLFM

ClinVar aggregate classification (germline): Uncertain significance (1 of 4 stars; one submission).

Conditions:
Retinitis pigmentosa 3. Also called: CHOROIDORETINAL DEGENERATION WITH RETINAL REFLEX IN HETEROZYGOUS WOMEN. Identifiers: Orphanet 791, MedGen C1845667, MONDO:0010227, OMIM 300029.

Submission:

Centre for Mendelian Genomics, University Medical Centre Ljubljana
Classification: Uncertain significance for Retinitis pigmentosa 3. Last evaluated: 2016-01-01. Review status: criteria provided, single submitter. Criteria: ACMG Guidelines, 2015. Collection method: clinical testing. Allele origin: unknown. Affected: yes.
Comment: This variant was classified as: Uncertain significance. The following ACMG criteria were applied in classifying this variant: PM2,PP3. This variant was detected in hemizygous state.